The following is an entry in ClinVar:

ClinVar aggregate classification (germline): Likely benign (1 of 4 stars; one submission).

Submission:

CeGaT Center for Human Genetics Tuebingen
Classification: Likely benign. Last evaluated: 2026-04-01. Review status: criteria provided, single submitter. Criteria: CeGaT Center For Human Genetics Tuebingen Variant Classification Criteria Version 2. Collection method: clinical testing. Allele origin: germline. Affected: yes. Observed: 1 variant allele.
Comment: KANK1: PM2:Supporting, BP4, BP7

NM_015158.5(KANK1):c.210C>A (p.Ser70=)

Gene: KANK1 (KN motif and ankyrin repeat domains 1; plus strand). Cytogenetic location: 9p24.3.
Variant type: single nucleotide variant.
Coding change: c.210C>A on transcript NM_015158.5 (MANE Select); coding-DNA position 210, C replaced by A.
Protein change: p.Ser70=; no amino-acid change (serine 70 retained).
Molecular consequence: synonymous variant. On other transcripts: 5 prime UTR variant (13), non-coding transcript variant (1).
Genome position (GRCh38, 1-based): chr9:710,976, C>A. VCF-style: chr9-710976-C-A. GRCh37 (hg19) VCF-style: chr9-710976-C-A.
Other names: c.210C>A, p.Ser70= (NM_001256876.3, NM_001256877.3, NM_001354331.2 and 3 more transcripts); c.-265C>A (NM_001354333.2, NM_001354335.2, NM_001354336.2 and 10 more transcripts).
Identifiers: ClinVar variation 4874373 (VCV004874373.2).